The following is an entry in ClinVar:

NM_005633.4(SOS1):c.3391+5G>A

Gene: SOS1 (SOS Ras/Rac guanine nucleotide exchange factor 1; minus strand). Cytogenetic location: 2p22.1.
Variant type: single nucleotide variant.
Coding change: c.3391+5G>A on transcript NM_005633.4 (MANE Select); 5 bases into the intron after coding-DNA position 3391, G replaced by A.
Molecular consequence: intron variant.
Genome position (GRCh38, 1-based): chr2:38,989,265, C>T on the plus strand (G>A on the coding strand, the complement: SOS1 is on the minus strand). VCF-style: chr2-38989265-C-T. GRCh37 (hg19) VCF-style: chr2-39216406-C-T.
Other names: c.3370+5G>A (NM_001382394.1); c.3347-1674G>A (NM_001382395.1).
Identifiers: ClinVar variation 4810076 (VCV004810076.1).

ClinVar aggregate classification (germline): Uncertain significance (1 of 4 stars; one submission).

Conditions:
RASopathy. Also called: rasopathies; Noonan spectrum disorder. Identifiers: Orphanet 536391, MedGen C5555857, MONDO:0021060.

Submission:

Labcorp Genetics (formerly Invitae), Labcorp
Classification: Uncertain significance for RASopathy. Last evaluated: 2025-03-30. Review status: criteria provided, single submitter. Criteria: Invitae Variant Classification Sherloc (09022015). Collection method: clinical testing. Allele origin: germline.
Comment: This sequence change falls in intron 21 of the SOS1 gene. It does not directly change the encoded amino acid sequence of the SOS1 protein. It affects a nucleotide within the consensus splice site. This variant is not present in population databases (gnomAD no frequency). This variant has not been reported in the literature in individuals affected with SOS1-related conditions. Variants that disrupt the consensus splice site are a relatively common cause of aberrant splicing (PMID: 17576681, 9536098). Algorithms developed to predict the effect of sequence changes on RNA splicing suggest that this variant may disrupt the consensus splice site. In summary, the available evidence is currently insufficient to determine the role of this variant in disease. Therefore, it has been classified as a Variant of Uncertain Significance.

Literature cited by the submitters: PubMed 17576681; PubMed 9536098.